The following is an entry in ClinVar:

ClinVar aggregate classification (germline): Uncertain significance (1 of 4 stars; one submission).

Conditions:
Charcot-Marie-Tooth disease recessive intermediate C. Also called: CHARCOT-MARIE-TOOTH NEUROPATHY, RECESSIVE INTERMEDIATE C. Identifiers: Orphanet 369867, MedGen C3809309, MONDO:0014154, OMIM 615376.
Neuronopathy, distal hereditary motor, autosomal recessive 4. Also called: Autosomal recessive lower motor neuron disease with childhood onset; NEUROPATHY, DISTAL HEREDITARY MOTOR, AUTOSOMAL RECESSIVE 4. Identifiers: Orphanet 206580, MedGen C1970211, MONDO:0012608, OMIM 611067.

Submission:

Labcorp Genetics (formerly Invitae), Labcorp
Classification: Uncertain significance for Neuronopathy, distal hereditary motor, autosomal recessive 4; Charcot-Marie-Tooth disease recessive intermediate C. Last evaluated: 2022-07-25. Review status: criteria provided, single submitter. Criteria: Invitae Variant Classification Sherloc (09022015). Collection method: clinical testing. Allele origin: germline.
Comment: In summary, the available evidence is currently insufficient to determine the role of this variant in disease. Therefore, it has been classified as a Variant of Uncertain Significance. Algorithms developed to predict the effect of missense changes on protein structure and function are either unavailable or do not agree on the potential impact of this missense change (SIFT: "Deleterious"; PolyPhen-2: "Probably Damaging"; Align-GVGD: "Class C0"). ClinVar contains an entry for this variant (Variation ID: 948425). This variant has not been reported in the literature in individuals affected with PLEKHG5-related conditions. This variant is not present in population databases (gnomAD no frequency). This sequence change replaces arginine, which is basic and polar, with methionine, which is neutral and non-polar, at codon 474 of the PLEKHG5 protein (p.Arg474Met).

NM_020631.6(PLEKHG5):c.1421G>T (p.Arg474Met)

Gene: PLEKHG5 (pleckstrin homology and RhoGEF domain containing G5; minus strand). Cytogenetic location: 1p36.31.
Variant type: single nucleotide variant.
Coding change: c.1421G>T on transcript NM_020631.6 (MANE Select); coding-DNA position 1421, G replaced by T.
Protein change: p.Arg474Met; replaces arginine 474 with methionine.
Molecular consequence: missense variant.
Genome position (GRCh38, 1-based): chr1:6,470,856, C>A on the plus strand (G>T on the coding strand, the complement: PLEKHG5 is on the minus strand). VCF-style: chr1-6470856-C-A. GRCh37 (hg19) VCF-style: chr1-6530916-C-A.
Other names: c.1532G>T, p.Arg511Met (NM_001042663.3, NM_001265592.2); c.1421G>T, p.Arg474Met (NM_001042664.2, NM_001042665.2, NM_001265594.3 and 1 more transcripts); c.1628G>T, p.Arg543Met (NM_001265593.2); short protein forms R543M, R474M, R511M.
Identifiers: ClinVar variation 948425 (VCV000948425.10), dbSNP rs1644551354, ClinGen allele CA338127045.
Genomic context (GRCh38, chr1:6,470,856, plus strand): 5'-AGCAGCGGGTACTTGGTGAGCCGCTGGTGGGGTTTGGCCAGCATGTCGCTCAGCTTCAGC[C>A]TCTGGCACTGTGGGTGCTTCTCCGCCCACTGCGGTGGGGGAGTGGGGGCGGGCTCAGGGC-3'
Protein context (NP_065682.2, residues 464-484): TWAEKHPQCQ[Arg474Met]LKLSDMLAKP